The following is an entry in ClinVar:

NM_018026.4(PACS1):c.2158A>T (p.Thr720Ser)

Gene: PACS1 (phosphofurin acidic cluster sorting protein 1; plus strand). Cytogenetic location: 11q13.2.
Variant type: single nucleotide variant.
Coding change: c.2158A>T on transcript NM_018026.4 (MANE Select); coding-DNA position 2158, A replaced by T.
Protein change: p.Thr720Ser; replaces threonine 720 with serine.
Molecular consequence: missense variant.
Genome position (GRCh38, 1-based): chr11:66,235,354, A>T. VCF-style: chr11-66235354-A-T. GRCh37 (hg19) VCF-style: chr11-66002825-A-T.
Other names: short protein forms T720S.
Identifiers: ClinVar variation 4797480 (VCV004797480.1).

ClinVar aggregate classification (germline): Uncertain significance (1 of 4 stars; one submission).

Conditions:
Schuurs-Hoeijmakers syndrome. Also called: PACS1-Related Neurodevelopmental Disorder. Identifiers: Orphanet 329224, MedGen C3554343, MONDO:0014006, OMIM 615009.

gnomAD v4.1: 1 of 1,614,114 alleles (0.000062%); highest among the groups gnomAD compares: Non-Finnish European, 0.000085%; no homozygotes.

Submission:

Labcorp Genetics (formerly Invitae), Labcorp
Classification: Uncertain significance for Schuurs-Hoeijmakers syndrome. Last evaluated: 2025-08-06. Review status: criteria provided, single submitter. Criteria: Invitae Variant Classification Sherloc (09022015). Collection method: clinical testing. Allele origin: germline.
Comment: This sequence change replaces threonine, which is neutral and polar, with serine, which is neutral and polar, at codon 720 of the PACS1 protein (p.Thr720Ser). This variant is present in population databases (no rsID available, gnomAD 0.0009%). This variant has not been reported in the literature in individuals affected with PACS1-related conditions. Invitae Evidence Modeling of protein sequence and biophysical properties (such as structural, functional, and spatial information, amino acid conservation, physicochemical variation, residue mobility, and thermodynamic stability) indicates that this missense variant is not expected to disrupt PACS1 protein function with a negative predictive value of 80%. In summary, the available evidence is currently insufficient to determine the role of this variant in disease. Therefore, it has been classified as a Variant of Uncertain Significance.